The following is an entry in ClinVar:

ClinVar aggregate classification (germline): Uncertain significance (1 of 4 stars; one submission).

Submission:

Labcorp Genetics (formerly Invitae), Labcorp
Classification: Uncertain significance. Last evaluated: 2022-05-07. Review status: criteria provided, single submitter. Criteria: Invitae Variant Classification Sherloc (09022015). Collection method: clinical testing. Allele origin: germline.
Comment: A copy number gain of the genomic region encompassing the full coding sequence of the NSMCE3 gene has been identified. The boundaries of this event are unknown as they extend beyond the assayed region for this gene and therefore may encompass additional genes. As the precise location of this event is unknown, it may be in tandem or it may be located elsewhere in the genome. This variant has not been reported in the literature in individuals affected with NSMCE3-related conditions. Experimental studies and prediction algorithms are not available or were not evaluated, and the functional significance of this variant is currently unknown. In summary, the available evidence is currently insufficient to determine the role of this variant in disease. Therefore, it has been classified as a Variant of Uncertain Significance.

NC_000015.9:g.(?_29560995)_(29561909_?)dup

Genes: ENTREP2 (endosomal transmembrane epsin interactor 2; minus strand), NSMCE3 (NSE3 homolog, SMC5-SMC6 complex component; minus strand). Cytogenetic location: 15q13.1.
Variant type: Duplication.
Identifiers: ClinVar variation 2427266 (VCV002427266.2).